The following is an entry in ClinVar:

NM_003074.4(SMARCC1):c.642C>T (p.Asp214=)

Gene: SMARCC1 (SWI/SNF related BAF chromatin remodeling complex subunit C1; minus strand). Cytogenetic location: 3p21.31.
Variant type: single nucleotide variant.
Coding change: c.642C>T on transcript NM_003074.4 (MANE Select); coding-DNA position 642, C replaced by T.
Protein change: p.Asp214=; no amino-acid change (aspartic acid 214 retained).
Molecular consequence: synonymous variant.
Genome position (GRCh38, 1-based): chr3:47,729,029, G>A on the plus strand (C>T on the coding strand, the complement: SMARCC1 is on the minus strand). VCF-style: chr3-47729029-G-A. GRCh37 (hg19) VCF-style: chr3-47770519-G-A.
Identifiers: ClinVar variation 3057647 (VCV003057647.2), dbSNP rs184251353, ClinGen allele CA2369371.

ClinVar aggregate classification (germline): Likely benign (0 of 4 stars; one submission).

Conditions:
SMARCC1-related disorder. Also called: SMARCC1-related condition.

Allele frequency attached by ClinVar (database versions not stated): ESP Exome Variant Server 0.00008; TOPMed 0.00010; gnomAD 0.00011; 1000 Genomes Project 30x 0.00016; 1000 Genomes Project 0.00020.
gnomAD v4.1: 245 of 1,606,106 alleles (0.015%); highest among the groups gnomAD compares: East Asian, 0.027%; no homozygotes.

Submission:

PreventionGenetics, part of Exact Sciences
Classification: Likely benign for SMARCC1-related condition. Last evaluated: 2019-03-01. Review status: no assertion criteria provided. Collection method: clinical testing. Allele origin: germline.
Comment: This variant is classified as likely benign based on ACMG/AMP sequence variant interpretation guidelines (Richards et al. 2015 PMID: 25741868, with internal and published modifications).